The following is an entry in ClinVar:

ClinVar aggregate classification (germline): Benign/Likely benign. Review status: criteria provided, multiple submitters, no conflicts (2 of 4 stars). 4 submissions from 4 submitters: Benign (1); Likely benign (3). Last evaluated 2026-01-26.

Allele frequency attached by ClinVar (database versions not stated): ESP Exome Variant Server 0.00008; TOPMed 0.00017; gnomAD 0.00022 and 0.00028; gnomAD exomes 0.00046; 1000 Genomes Project 30x 0.00047; ExAC 0.00050; 1000 Genomes Project 0.00060.
gnomAD v4.1: 375 of 1,608,652 alleles (0.023%); highest among the groups gnomAD compares: South Asian, 0.18%; 5 homozygotes.

Submissions (5):

Labcorp Genetics (formerly Invitae), Labcorp
Classification: Benign. Last evaluated: 2026-01-26. Review status: criteria provided, single submitter. Criteria: Invitae Variant Classification Sherloc (09022015). Collection method: clinical testing. Allele origin: germline.

Mayo Clinic Laboratories, Mayo Clinic
Classification: Likely benign. Last evaluated: 2025-10-29. Review status: criteria provided, single submitter. Criteria: ACMG Guidelines, 2015. Collection method: clinical testing. Allele origin: germline. Observed: 1 variant allele.
Comment: BS1, BP7

Blueprint Genetics
Classification: Likely benign. Last evaluated: 2024-11-28. Review status: criteria provided, single submitter. Criteria: ACMG Guidelines, 2015. Collection method: clinical testing. Allele origin: germline.

GeneDx
Classification: Likely benign. Last evaluated: 2020-06-30. Review status: criteria provided, single submitter. Criteria: GeneDx Variant Classification Process June 2021. Collection method: clinical testing. Allele origin: germline. Affected: yes.

Dr. Peter K. Rogan Lab, Western University
No classification provided (evidence only). Condition: Ovarian serous cystadenocarcinoma. Review status: no classification provided. Collection method: in vitro. Allele origin: not applicable. Functional consequence: retained intron. Not counted in ClinVar's aggregate classification.

NM_005901.6(SMAD2):c.520+5G>A

Gene: SMAD2 (SMAD family member 2; minus strand). Cytogenetic location: 18q21.1.
Variant type: single nucleotide variant.
Coding change: c.520+5G>A on transcript NM_005901.6 (MANE Select); 5 bases into the intron after coding-DNA position 520, G replaced by A.
Molecular consequence: intron variant.
Genome position (GRCh38, 1-based): chr18:47,869,238, C>T on the plus strand (G>A on the coding strand, the complement: SMAD2 is on the minus strand). VCF-style: chr18-47869238-C-T. GRCh37 (hg19) VCF-style: chr18-45395609-C-T.
Other names: c.430+5G>A (NM_001135937.3); c.520+5G>A (NM_001003652.4).
Identifiers: ClinVar variation 1208386 (VCV001208386.14), dbSNP rs200086333, ClinGen allele CA8956255.